The following is an entry in ClinVar:

ClinVar aggregate classification (germline): Uncertain significance (1 of 4 stars; one submission).

Conditions:
Duchenne muscular dystrophy (DMD). Also called: Duchenne Muscular Dystrophy (DMD); MUSCULAR DYSTROPHY, PSEUDOHYPERTROPHIC PROGRESSIVE, DUCHENNE TYPE. Identifiers: Orphanet 98896, MedGen C0013264, MONDO:0010679, OMIM 310200.

Submission:

Labcorp Genetics (formerly Invitae), Labcorp
Classification: Uncertain significance for Duchenne muscular dystrophy. Last evaluated: 2025-06-14. Review status: criteria provided, single submitter. Criteria: Invitae Variant Classification Sherloc (09022015). Collection method: clinical testing. Allele origin: germline.
Comment: This sequence change replaces aspartic acid, which is acidic and polar, with glycine, which is neutral and non-polar, at codon 2332 of the DMD protein (p.Asp2332Gly). This variant is not present in population databases (gnomAD no frequency). This variant has not been reported in the literature in individuals affected with DMD-related conditions. Invitae Evidence Modeling of protein sequence and biophysical properties (such as structural, functional, and spatial information, amino acid conservation, physicochemical variation, residue mobility, and thermodynamic stability) indicates that this missense variant is not expected to disrupt DMD protein function with a negative predictive value of 95%. In summary, the available evidence is currently insufficient to determine the role of this variant in disease. Therefore, it has been classified as a Variant of Uncertain Significance.

NM_004006.3(DMD):c.6995A>G (p.Asp2332Gly)

Gene: DMD (dystrophin; minus strand). Cytogenetic location: Xp21.1.
Variant type: single nucleotide variant.
Coding change: c.6995A>G on transcript NM_004006.3 (MANE Select); coding-DNA position 6995, A replaced by G.
Protein change: p.Asp2332Gly; replaces aspartic acid 2332 with glycine.
Molecular consequence: missense variant. On other transcripts: 5 prime UTR variant (5).
Genome position (GRCh38, 1-based): chrX:31,875,291, T>C on the plus strand (A>G on the coding strand, the complement: DMD is on the minus strand). VCF-style: chrX-31875291-T-C. GRCh37 (hg19) VCF-style: chrX-31893408-T-C.
Other names: c.6971A>G, p.Asp2324Gly (NM_000109.4); c.6983A>G, p.Asp2328Gly (NM_004009.3); c.6626A>G, p.Asp2209Gly (NM_004010.3); c.2972A>G, p.Asp991Gly (NM_004011.4); c.2963A>G, p.Asp988Gly (NM_004012.4); c.-386A>G (NM_004013.3, NM_004020.4, NM_004021.3 and 2 more transcripts); short protein forms D2209G, D2324G, D2328G, D2332G, D988G, D991G.
Identifiers: ClinVar variation 4800949 (VCV004800949.1).